The following is an entry in ClinVar:

NM_144992.5(VWA3B):c.2308+1G>C

Gene: VWA3B (von Willebrand factor A domain containing 3B; plus strand). Cytogenetic location: 2q11.2.
Variant type: single nucleotide variant.
Coding change: c.2308+1G>C on transcript NM_144992.5 (MANE Select); the canonical splice donor site of the intron after coding-DNA position 2308, G replaced by C.
Molecular consequence: splice donor variant.
Genome position (GRCh38, 1-based): chr2:98,230,208, G>C. VCF-style: chr2-98230208-G-C. GRCh37 (hg19) VCF-style: chr2-98846671-G-C.
Other names: c.1279+1G>C (NM_001345864.2).
Identifiers: ClinVar variation 4850223 (VCV004850223.1).

ClinVar aggregate classification (germline): Likely pathogenic (1 of 4 stars; one submission).

Conditions:
Spinocerebellar ataxia, autosomal recessive 22 (SCAR22). Identifiers: MedGen C4310781, MONDO:0014845, OMIM 616948.

gnomAD v4.1: 24 of 1,554,120 alleles (0.0015%); highest among the groups gnomAD compares: South Asian, 0.022%; no homozygotes.

Submission:

First Genomix Gene Laboratory, Genetic Diagnostics Department
Classification: Likely pathogenic for Spinocerebellar ataxia, autosomal recessive 22. Last evaluated: 2025-08-26. Review status: criteria provided, single submitter. Criteria: ACMG Guidelines, 2015. Collection method: clinical testing. Allele origin: germline. Inheritance: Autosomal recessive inheritance. Affected: no. Observed: 1 variant allele.